The following is an entry in ClinVar:

NM_002047.4(GARS1):c.366A>G (p.Ala122=)

Gene: GARS1 (glycyl-tRNA synthetase 1; plus strand). Cytogenetic location: 7p14.3.
Variant type: single nucleotide variant.
Coding change: c.366A>G on transcript NM_002047.4 (MANE Select); coding-DNA position 366, A replaced by G.
Protein change: p.Ala122=; no amino-acid change (alanine 122 retained).
Molecular consequence: synonymous variant.
Genome position (GRCh38, 1-based): chr7:30,599,988, A>G. VCF-style: chr7-30599988-A-G. GRCh37 (hg19) VCF-style: chr7-30639604-A-G.
Other names: c.366A>G (LRG_243t1); c.204A>G, p.Ala68= (NM_001316772.1).
Identifiers: ClinVar variation 382658 (VCV000382658.3), dbSNP rs1057521413, ClinGen allele CA16605779.

ClinVar aggregate classification (germline): Likely benign. Review status: criteria provided, multiple submitters, no conflicts (2 of 4 stars). 2 submissions from 2 submitters: Likely benign (2). Last evaluated 2019-07-11.

Submissions (2):

Ambry Genetics
Classification: Likely benign. Last evaluated: 2019-07-11. Review status: criteria provided, single submitter. Criteria: Ambry Variant Classification Scheme 2023. Collection method: clinical testing. Allele origin: germline.

GeneDx
Classification: Likely benign. Last evaluated: 2016-01-06. Review status: criteria provided, single submitter. Criteria: GeneDx Variant Classification (06012015). Collection method: clinical testing. Allele origin: germline. Affected: yes.
Comment: This variant is considered likely benign or benign based on one or more of the following criteria: it is a conservative change, it occurs at a poorly conserved position in the protein, it is predicted to be benign by multiple in silico algorithms, and/or has population frequency not consistent with disease.